The following is an entry in ClinVar:

ClinVar aggregate classification (germline): Uncertain significance (1 of 4 stars; one submission).

Conditions:
Hereditary cancer-predisposing syndrome. Also called: Neoplastic Syndromes, Hereditary; Tumor predisposition; Hereditary Cancer Syndrome; Hereditary neoplastic syndrome. Identifiers: Orphanet 140162, MedGen C0027672, MeSH D009386, MONDO:0015356.

Submission:

Ambry Genetics
Classification: Uncertain significance for Hereditary cancer-predisposing syndrome. Last evaluated: 2026-05-28. Review status: criteria provided, single submitter. Criteria: Ambry Variant Classification Scheme 2023. Collection method: clinical testing. Allele origin: germline.
Comment: The p.L185V variant (also known as c.553C>G), located in coding exon 5 of the MITF gene, results from a C to G substitution at nucleotide position 553. The leucine at codon 185 is replaced by valine, an amino acid with highly similar properties. This amino acid position is conserved. In addition, this alteration is predicted to be tolerated by in silico analysis. Based on the available evidence, the clinical significance of this variant remains unclear.

NM_001354604.2(MITF):c.874C>G (p.Leu292Val)

Gene: MITF (melanocyte inducing transcription factor; plus strand). Cytogenetic location: 3p13.
Variant type: single nucleotide variant.
Coding change: c.874C>G on transcript NM_001354604.2 (MANE Select); coding-DNA position 874, C replaced by G.
Protein change: p.Leu292Val; replaces leucine 292 with valine.
Molecular consequence: missense variant.
Genome position (GRCh38, 1-based): chr3:69,949,162, C>G. VCF-style: chr3-69949162-C-G. GRCh37 (hg19) VCF-style: chr3-69998313-C-G.
Other names: c.553C>G, p.Leu185Val (NM_000248.4, NM_198158.3); c.718C>G, p.Leu240Val (NM_001184967.2, NM_001354608.2); c.871C>G, p.Leu291Val (NM_001354605.2, NM_001354606.2, NM_006722.3); c.823C>G, p.Leu275Val (NM_001354607.2); c.874C>G, p.Leu292Val (NM_198159.3); c.826C>G, p.Leu276Val (NM_198177.3); c.385C>G, p.Leu129Val (NM_198178.3); short protein forms L129V, L185V, L240V, L275V, L276V, L291V, L292V.
Identifiers: ClinVar variation 4860077 (VCV004860077.1).